The following is an entry in ClinVar:

NM_000541.5(SAG):c.335T>C (p.Leu112Pro)

Gene: SAG (S-antigen visual arrestin; plus strand). Cytogenetic location: 2q37.1.
Variant type: single nucleotide variant.
Coding change: c.335T>C on transcript NM_000541.5 (MANE Select); coding-DNA position 335, T replaced by C.
Protein change: p.Leu112Pro; replaces leucine 112 with proline.
Molecular consequence: missense variant.
Genome position (GRCh38, 1-based): chr2:233,320,783, T>C. VCF-style: chr2-233320783-T-C. GRCh37 (hg19) VCF-style: chr2-234229429-T-C.
Other names: short protein forms L112P.
Identifiers: ClinVar variation 840140 (VCV000840140.9), dbSNP rs754704161, ClinGen allele CA2174338.
Genomic context (GRCh38, chr2:233,320,783, plus strand): 5'-TCCAGGTGTATCCTCCTGTGGGGGCCGCGAGCACCCCCACAAAACTGCAAGAGAGCCTGC[T>C]TAAAAAGCTGGGGAGCAACACGTACCCCTTTCTCCTGACGGTGGGTGACTCCTCCGGCCA-3'
Protein context (NP_000532.2, residues 102-122): STPTKLQESL[Leu112Pro]KKLGSNTYPF

ClinVar aggregate classification (germline): Uncertain significance. Review status: criteria provided, multiple submitters, no conflicts (2 of 4 stars). 2 submissions from 2 submitters: Uncertain significance (2). Last evaluated 2025-06-19.

Allele frequency attached by ClinVar (database versions not stated): gnomAD exomes 0.00001; TOPMed 0.00001; ExAC 0.00003; gnomAD 0.00001.
gnomAD v4.1: 12 of 1,605,232 alleles (0.00075%); highest among the groups gnomAD compares: Non-Finnish European, 0.001%; no homozygotes.

Submissions (2):

Dasa
Classification: Uncertain significance. Last evaluated: 2025-06-19. Review status: criteria provided, single submitter. Criteria: DASA Assertion Criteria. Collection method: clinical testing. Allele origin: germline.
Comment: NM_000541.5(SAG):c.335T>C (p.Leu112Pro) is a missense variant that results in the substitution of leucine with proline. This variant is rare in population databases. Computational prediction algorithms are consistent with a benign effect. The currently available literature and clinical evidence are not sufficient to establish a definitive association between this variant and the reported condition. Therefore, this variant is classified as a variant of uncertain significance.

Labcorp Genetics (formerly Invitae), Labcorp
Classification: Uncertain significance. Last evaluated: 2023-07-12. Review status: criteria provided, single submitter. Criteria: Invitae Variant Classification Sherloc (09022015). Collection method: clinical testing. Allele origin: germline.
Comment: Advanced modeling of protein sequence and biophysical properties (such as structural, functional, and spatial information, amino acid conservation, physicochemical variation, residue mobility, and thermodynamic stability) has been performed at Invitae for this missense variant, however the output from this modeling did not meet the statistical confidence thresholds required to predict the impact of this variant on SAG protein function. This sequence change replaces leucine, which is neutral and non-polar, with proline, which is neutral and non-polar, at codon 112 of the SAG protein (p.Leu112Pro). This variant is present in population databases (rs754704161, gnomAD 0.003%). This variant has not been reported in the literature in individuals affected with SAG-related conditions. ClinVar contains an entry for this variant (Variation ID: 840140). In summary, the available evidence is currently insufficient to determine the role of this variant in disease. Therefore, it has been classified as a Variant of Uncertain Significance.